The following is an entry in ClinVar:

NM_003801.4(GPAA1):c.1054C>T (p.Arg352Cys)

Gene: GPAA1 (glycosylphosphatidylinositol anchor attachment 1; plus strand). Cytogenetic location: 8q24.3.
Variant type: single nucleotide variant.
Coding change: c.1054C>T on transcript NM_003801.4 (MANE Select); coding-DNA position 1054, C replaced by T.
Protein change: p.Arg352Cys; replaces arginine 352 with cysteine.
Molecular consequence: missense variant.
Genome position (GRCh38, 1-based): chr8:144,084,765, C>T. VCF-style: chr8-144084765-C-T. GRCh37 (hg19) VCF-style: chr8-145139668-C-T.
Other names: short protein forms R352C.
Identifiers: ClinVar variation 1449856 (VCV001449856.8), dbSNP rs782645873, ClinGen allele CA4933032.

ClinVar aggregate classification (germline): Uncertain significance. Review status: criteria provided, multiple submitters, no conflicts (2 of 4 stars). 3 submissions from 3 submitters: Uncertain significance (3). Last evaluated 2022-09-16.

Conditions:
Inborn genetic diseases. Identifiers: MedGen C0950123, MeSH D030342.

Allele frequency attached by ClinVar (database versions not stated): gnomAD exomes 0.00001 and 0.00002; ExAC 0.00002.

Submissions (3):

Ambry Genetics
Classification: Uncertain significance for Inborn genetic diseases. Last evaluated: 2022-09-16. Review status: criteria provided, single submitter. Criteria: Ambry Variant Classification Scheme 2023. Collection method: clinical testing. Allele origin: germline.

GeneDx
Classification: Uncertain significance. Last evaluated: 2022-06-08. Review status: criteria provided, single submitter. Criteria: GeneDx Variant Classification Process June 2021. Collection method: clinical testing. Allele origin: germline. Affected: yes.
Comment: Not observed at significant frequency in large population cohorts (gnomAD); In silico analysis supports that this missense variant has a deleterious effect on protein structure/function; Has not been previously published as pathogenic or benign to our knowledge

Labcorp Genetics (formerly Invitae), Labcorp
Classification: Uncertain significance. Last evaluated: 2021-11-19. Review status: criteria provided, single submitter. Criteria: Invitae Variant Classification Sherloc (09022015). Collection method: clinical testing. Allele origin: germline.
Comment: In summary, the available evidence is currently insufficient to determine the role of this variant in disease. Therefore, it has been classified as a Variant of Uncertain Significance. Algorithms developed to predict the effect of missense changes on protein structure and function are either unavailable or do not agree on the potential impact of this missense change (SIFT: "Deleterious"; PolyPhen-2: "Probably Damaging"; Align-GVGD: "Class C0"). This variant has not been reported in the literature in individuals affected with GPAA1-related conditions. This variant is present in population databases (rs782645873, gnomAD 0.01%). This sequence change replaces arginine, which is basic and polar, with cysteine, which is neutral and slightly polar, at codon 352 of the GPAA1 protein (p.Arg352Cys).